The following is an entry in ClinVar:

NM_000256.3(MYBPC3):c.1826C>T (p.Ala609Val)

Gene: MYBPC3 (myosin binding protein C3; minus strand). Cytogenetic location: 11p11.2.
Variant type: single nucleotide variant.
Coding change: c.1826C>T on transcript NM_000256.3 (MANE Select); coding-DNA position 1826, C replaced by T.
Protein change: p.Ala609Val; replaces alanine 609 with valine.
Molecular consequence: missense variant.
Genome position (GRCh38, 1-based): chr11:47,341,209, G>A on the plus strand (C>T on the coding strand, the complement: MYBPC3 is on the minus strand). VCF-style: chr11-47341209-G-A. GRCh37 (hg19) VCF-style: chr11-47362760-G-A.
Other names: p.A609V:GCC>GTC; c.1826C>T, p.Ala609Val (LRG_386t1); short protein forms A609V.
Identifiers: ClinVar variation 180953 (VCV000180953.2), dbSNP rs730880553, ClinGen allele CA011267.

ClinVar aggregate classification (germline): Likely pathogenic (1 of 4 stars; one submission).

Allele frequency attached by ClinVar (database versions not stated): gnomAD exomes 0.00001; ExAC 0.00004.
gnomAD v4.1: 5 of 1,598,614 alleles (0.00031%); highest among the groups gnomAD compares: Non-Finnish European, 0.00034%; no homozygotes.

Submission:

GeneDx
Classification: Likely pathogenic. Last evaluated: 2013-02-12. Review status: criteria provided, single submitter. Criteria: GeneDx Variant Classification (06012015). Collection method: clinical testing. Allele origin: germline. Affected: yes.
Comment: The Ala609Val variant in the MYBPC3 gene has not been reported as a disease-causing mutation or as a benign polymorphism to our knowledge. Ala609Val results in a conservative amino acid substitution of one non-polar amino acid for another at a position that is only moderately conserved across species, but located in a well-conserved region. Numerous mutations in nearby residues (Asp604Val, Asp605Asn, Asp605His, Asp605Gly, Pro608Leu, Asp610Asn, Asp610His) have been reported in association with HCM, further supporting the functional importance of this region of the protein. In addition, Ala609Val was absent from the 1000 Genomes database, and the NHLBI Exome Sequencing Project reports Ala609Val was not observed in approximately 6,000 samples from individuals of European and African American backgrounds, indicating it is not a common benign variant in these populations. With the clinical and molecular information available at this time, we cannot definitively determine if Ala609Val is a disease-causing mutation or a rare benign variant. The variant is found in HCM panel(s).